The following is an entry in ClinVar:

NM_015466.4(PTPN23):c.4315A>G (p.Lys1439Glu)

Gene: PTPN23 (protein tyrosine phosphatase non-receptor type 23; plus strand). Cytogenetic location: 3p21.31.
Variant type: single nucleotide variant.
Coding change: c.4315A>G on transcript NM_015466.4 (MANE Select); coding-DNA position 4315, A replaced by G.
Protein change: p.Lys1439Glu; replaces lysine 1439 with glutamic acid.
Molecular consequence: missense variant.
Genome position (GRCh38, 1-based): chr3:47,412,419, A>G. VCF-style: chr3-47412419-A-G. GRCh37 (hg19) VCF-style: chr3-47453909-A-G.
Other names: c.3937A>G, p.Lys1313Glu (NM_001304482.2); short protein forms K1313E, K1439E.
Identifiers: ClinVar variation 1964203 (VCV001964203.4), dbSNP rs773844064, ClinGen allele CA2366546.

ClinVar aggregate classification (germline): Uncertain significance (1 of 4 stars; one submission).

Allele frequency attached by ClinVar (database versions not stated): gnomAD 0.00001; TOPMed 0.00001; gnomAD exomes 0.00002; ExAC 0.00005.
gnomAD v4.1: 26 of 1,612,732 alleles (0.0016%); highest among the groups gnomAD compares: East Asian, 0.0022%; no homozygotes.

Submission:

Labcorp Genetics (formerly Invitae), Labcorp
Classification: Uncertain significance. Last evaluated: 2022-03-18. Review status: criteria provided, single submitter. Criteria: Invitae Variant Classification Sherloc (09022015). Collection method: clinical testing. Allele origin: germline.
Comment: In summary, the available evidence is currently insufficient to determine the role of this variant in disease. Therefore, it has been classified as a Variant of Uncertain Significance. Algorithms developed to predict the effect of missense changes on protein structure and function are either unavailable or do not agree on the potential impact of this missense change (SIFT: "Tolerated"; PolyPhen-2: "Probably Damaging"; Align-GVGD: "Class C0"). This variant has not been reported in the literature in individuals affected with PTPN23-related conditions. This variant is present in population databases (rs773844064, gnomAD 0.006%). This sequence change replaces lysine, which is basic and polar, with glutamic acid, which is acidic and polar, at codon 1439 of the PTPN23 protein (p.Lys1439Glu).